The following is an entry in ClinVar:

NM_000059.4(BRCA2):c.1129G>A (p.Glu377Lys)

Gene: BRCA2 (BRCA2 DNA repair associated; plus strand). Cytogenetic location: 13q13.1.
Variant type: single nucleotide variant.
Coding change: c.1129G>A on transcript NM_000059.4 (MANE Select); coding-DNA position 1129, G replaced by A.
Protein change: p.Glu377Lys; replaces glutamic acid 377 with lysine.
Molecular consequence: missense variant.
Genome position (GRCh38, 1-based): chr13:32,332,607, G>A. VCF-style: chr13-32332607-G-A. GRCh37 (hg19) VCF-style: chr13-32906744-G-A.
Other names: short protein forms E377K.
Identifiers: ClinVar variation 230547 (VCV000230547.12), dbSNP rs876658625, ClinGen allele CA10579484.
Genomic context (GRCh38, chr13:32,332,607, plus strand): 5'-GAAGTGGAACCAAATGATACTGATCCATTAGATTCAAATGTAGCAAATCAGAAGCCCTTT[G>A]AGAGTGGAAGTGACAAAATCTCCAAGGAAGTTGTACCGTCTTTGGCCTGTGAATGGTCTC-3'
Protein context (NP_000050.3, residues 367-387): DSNVANQKPF[Glu377Lys]SGSDKISKEV

ClinVar aggregate classification (germline): Conflicting classifications of pathogenicity. Review status: criteria provided, conflicting classifications (1 of 4 stars). 3 submissions from 3 submitters: Uncertain significance (2); Likely benign (1). Last evaluated 2025-10-03.

Conditions:
Hereditary cancer-predisposing syndrome. Also called: Neoplastic Syndromes, Hereditary; Tumor predisposition; Hereditary Cancer Syndrome; Hereditary neoplastic syndrome. Identifiers: Orphanet 140162, MedGen C0027672, MeSH D009386, MONDO:0015356.
Hereditary breast ovarian cancer syndrome. Also called: BRCA1- and BRCA2-Associated Hereditary Breast and Ovarian Cancer; Hereditary breast and ovarian cancer syndrome; Hereditary breast and ovarian cancer; Hereditary breast and ovarian cancer syndrome (HBOC); Breast and ovarian cancer; Hereditary breast and/or ovarian cancer syndrome. Identifiers: Orphanet 145, MedGen C0677776, MeSH D061325, MONDO:0003582. Disease mechanism: loss of function.

Submissions (3):

Labcorp Genetics (formerly Invitae), Labcorp
Classification: Uncertain significance for Hereditary breast ovarian cancer syndrome. Last evaluated: 2025-10-03. Review status: criteria provided, single submitter. Criteria: Invitae Variant Classification Sherloc (09022015). Collection method: clinical testing. Allele origin: germline.
Comment: This sequence change replaces glutamic acid, which is acidic and polar, with lysine, which is basic and polar, at codon 377 of the BRCA2 protein (p.Glu377Lys). This variant is not present in population databases (gnomAD no frequency). This variant has not been reported in the literature in individuals affected with BRCA2-related conditions. ClinVar contains an entry for this variant (Variation ID: 230547). Invitae Evidence Modeling of protein sequence and biophysical properties (such as structural, functional, and spatial information, amino acid conservation, physicochemical variation, residue mobility, and thermodynamic stability) indicates that this missense variant is not expected to disrupt BRCA2 protein function with a negative predictive value of 95%. In summary, the available evidence is currently insufficient to determine the role of this variant in disease. Therefore, it has been classified as a Variant of Uncertain Significance.

University of Washington Department of Laboratory Medicine, University of Washington
Classification: Likely benign for Hereditary cancer-predisposing syndrome. Last evaluated: 2023-03-23. Review status: criteria provided, single submitter. Criteria: Dines et al. (Genet Med. 2020). Collection method: curation. Allele origin: germline.
Comment: Missense variant in a coldspot region where missense variants are very unlikely to be pathogenic (PMID:31911673).

BRCA2 exon 10 coldspot. Reclassification based on statistical prior probability.

Ambry Genetics
Classification: Uncertain significance for Hereditary cancer-predisposing syndrome. Last evaluated: 2015-02-16. Review status: criteria provided, single submitter. Criteria: Ambry Variant Classification Scheme 2023. Collection method: clinical testing. Allele origin: germline.
Comment: The p.E377K variant (also known as c.1129G>A and 1357G>A), located in coding exon 9 of the BRCA2 gene, results from a G to A substitution at nucleotide position 1129. The glutamic acid at codon 377 is replaced by lysine, an amino acid with similar properties. This variant was not reported in population based cohorts in the following databases: Database of Single Nucleotide Polymorphisms (dbSNP), NHLBI Exome Sequencing Project (ESP), and 1000 Genomes Project. In the ESP, this variant was not observed in 6,424 samples (12,848 alleles) with coverage at this position. To date, this alteration has been detected with an allele frequency of approximately 0.001% (greater than 105,000 alleles tested) in our clinical cohort. This amino acid position is poorly conserved in available vertebrate species. In addition, this alteration is predicted to be tolerated by in silico analysis. Since supporting evidence is limited at this time, the clinical significance of p.E377K remains unclear.